The following is an entry in ClinVar:

ClinVar aggregate classification (germline): Benign/Likely benign. Review status: criteria provided, multiple submitters, no conflicts (2 of 4 stars). 8 submissions from 8 submitters: Benign (6); Likely benign (1). 1 of the submissions does not count toward it. Last evaluated 2026-01-26.

Conditions:
SEPTIN9-related disorder. Also called: SEPTIN9-related condition.
Amyotrophic neuralgia (HNA). Also called: Hereditary Brachial Plexus Neuropathy; Neuritis with Brachial Predilection; AMYOTROPHY, HEREDITARY NEURALGIC, WITH PREDILECTION FOR BRACHIAL PLEXUS; AMYOTROPHY, HEREDITARY NEURALGIC. Identifiers: Orphanet 2901, MedGen C1834304, MONDO:0008076, OMIM 162100.

Allele frequency attached by ClinVar (database versions not stated): gnomAD exomes 0.00044 and 0.00071; ExAC 0.00077; ESP Exome Variant Server 0.00177; 1000 Genomes Project 0.00180; 1000 Genomes Project 30x 0.00203; gnomAD 0.00212 and 0.00232; TOPMed 0.00279.
gnomAD v4.1: 1,013 of 1,613,662 alleles (0.063%); highest among the groups gnomAD compares: African/African-American, 0.51%; 4 homozygotes.

Submissions (8):

Labcorp Genetics (formerly Invitae), Labcorp
Classification: Benign. Last evaluated: 2026-01-26. Review status: criteria provided, single submitter. Criteria: Invitae Variant Classification Sherloc (09022015). Collection method: clinical testing. Allele origin: germline.

Blueprint Genetics
Classification: Likely benign. Last evaluated: 2024-11-21. Review status: criteria provided, single submitter. Criteria: ACMG Guidelines, 2015. Collection method: clinical testing. Allele origin: germline.

Mayo Clinic Laboratories, Mayo Clinic
Classification: Benign. Last evaluated: 2024-11-21. Review status: criteria provided, single submitter. Criteria: ACMG Guidelines, 2015. Collection method: clinical testing. Allele origin: germline. Observed: 2 variant alleles.
Comment: BS1, BS2, BP4, BP7

Genome-Nilou Lab
Classification: Benign for Amyotrophic neuralgia. Last evaluated: 2021-12-05. Review status: criteria provided, single submitter. Criteria: ACMG Guidelines, 2015. Collection method: clinical testing. Allele origin: germline. Affected: no.

GeneDx
Classification: Benign. Last evaluated: 2020-04-14. Review status: criteria provided, single submitter. Criteria: GeneDx Variant Classification Process June 2021. Collection method: clinical testing. Allele origin: germline. Affected: yes.

Illumina Laboratory Services, Illumina
Classification: Benign for Amyotrophy, hereditary neuralgic. Last evaluated: 2018-01-13. Review status: criteria provided, single submitter. Criteria: ICSL Variant Classification Criteria 13 December 2019. Collection method: clinical testing. Allele origin: germline.
Comment: This variant was observed in the ICSL laboratory as part of a predisposition screen in an ostensibly healthy population. It had not been previously curated by ICSL or reported in the Human Gene Mutation Database (HGMD: prior to June 1st, 2018), and was therefore a candidate for classification through an automated scoring system. Utilizing variant allele frequency, disease prevalence and penetrance estimates, and inheritance mode, an automated score was calculated to assess if this variant is too frequent to cause the disease. Based on the score and internal cut-off values, a variant classified as benign is not then subjected to further curation. The score for this variant resulted in a classification of benign for this disease.

Breakthrough Genomics
Classification: Benign. Review status: criteria provided, single submitter. Criteria: ACMG Guidelines, 2015. Collection method: not provided. Allele origin: germline. Inheritance: Autosomal dominant inheritance. Affected: yes.

PreventionGenetics, part of Exact Sciences
Classification: Benign for SEPTIN9-related condition. Last evaluated: 2019-06-19. Review status: no assertion criteria provided. Collection method: clinical testing. Allele origin: germline. Not counted in ClinVar's aggregate classification.
Comment: This variant is classified as benign based on ACMG/AMP sequence variant interpretation guidelines (Richards et al. 2015 PMID: 25741868, with internal and published modifications).

NM_001113491.2(SEPTIN9):c.1248C>T (p.Pro416=)

Gene: SEPTIN9 (septin 9; plus strand). Cytogenetic location: 17q25.3.
Variant type: single nucleotide variant.
Coding change: c.1248C>T on transcript NM_001113491.2 (MANE Select); coding-DNA position 1248, C replaced by T.
Protein change: p.Pro416=; no amino-acid change (proline 416 retained).
Molecular consequence: synonymous variant.
Genome position (GRCh38, 1-based): chr17:77,488,850, C>T. VCF-style: chr17-77488850-C-T. GRCh37 (hg19) VCF-style: chr17-75484932-C-T.
Other names: p.Pro398=; c.1248C>T (NM_001113491.1); c.756C>T, p.Pro252= (NM_001113492.2, NM_001113494.1); c.1227C>T, p.Pro409= (NM_001113493.2); c.495C>T, p.Pro165= (NM_001113495.2, NM_001113496.2, NM_001293697.2 and 1 more transcripts); c.1191C>T, p.Pro397= (NM_001293695.2); c.576C>T, p.Pro192= (NM_001293696.2); c.1194C>T, p.Pro398= (NM_006640.5).
Identifiers: ClinVar variation 325559 (VCV000325559.21), dbSNP rs202186741, ClinGen allele CA8793725.